The following is an entry in ClinVar:

ClinVar aggregate classification (germline): Benign. Review status: criteria provided, multiple submitters, no conflicts (2 of 4 stars). 3 submissions from 3 submitters: Benign (3). Last evaluated 2024-07-31.

Allele frequency attached by ClinVar (database versions not stated): gnomAD exomes 0.05698; gnomAD 0.08771 and 0.08955; TOPMed 0.09384; 1000 Genomes Project 0.09465; 1000 Genomes Project 30x 0.09853.
gnomAD v4.1: 81,653 of 1,340,218 alleles (6.1%); highest among the groups gnomAD compares: African/African-American, 15%; 2,989 homozygotes.

Submissions (3):

Unidad de Genómica Garrahan, Hospital de Pediatría Garrahan
Classification: Benign. Last evaluated: 2024-07-31. Review status: criteria provided, single submitter. Criteria: ACMG Guidelines, 2015. Collection method: clinical testing. Allele origin: germline. Affected: no. Observed: 22 variant alleles.
Comment: This variant is classified as Benign based on local population frequency. This variant was detected in 24% of patients studied in a panel designed for Epileptic and Developmental Encephalopathy, Progressive Myoclonus Epilepsy and Abnormal Movements and Neurodegeneration with brain iron accumulation. Number of patients: 22. Only high quality variants are reported.

GeneDx
Classification: Benign. Last evaluated: 2018-07-15. Review status: criteria provided, single submitter. Criteria: GeneDx Variant Classification Process June 2021. Collection method: clinical testing. Allele origin: germline. Affected: yes.

Breakthrough Genomics
Classification: Benign. Review status: criteria provided, single submitter. Criteria: ACMG Guidelines, 2015. Collection method: not provided. Allele origin: germline. Inheritance: Autosomal dominant inheritance. Affected: yes.

NM_001077350.3(NPRL3):c.1351+77G>A

Genes: HBA-LCR (alpha-globin locus control region; plus strand), NPRL3 (NPR3 like, GATOR1 complex subunit; minus strand). Cytogenetic location: 16p13.3.
Variant type: single nucleotide variant.
Coding change: c.1351+77G>A on transcript NM_001077350.3 (MANE Select); 77 bases into the intron after coding-DNA position 1351, G replaced by A.
Molecular consequence: intron variant.
Genome position (GRCh38, 1-based): chr16:89,636, C>T on the plus strand (G>A on the coding strand, the complement: NPRL3 is on the minus strand). VCF-style: chr16-89636-C-T. GRCh37 (hg19) VCF-style: chr16-139634-C-T.
Other names: c.1117+77G>A (NM_001243247.2); c.1276+77G>A (NM_001243248.2, NM_001243249.2); c.814+77G>A (NM_001039476.3).
Identifiers: ClinVar variation 1247905 (VCV001247905.5), dbSNP rs2239298, ClinGen allele CA14274226.